The following is an entry in ClinVar:

NM_182961.4(SYNE1):c.15379T>A (p.Phe5127Ile)

Gene: SYNE1 (spectrin repeat containing nuclear envelope protein 1; minus strand). Cytogenetic location: 6q25.2.
Variant type: single nucleotide variant.
Coding change: c.15379T>A on transcript NM_182961.4 (MANE Select); coding-DNA position 15379, T replaced by A.
Protein change: p.Phe5127Ile; replaces phenylalanine 5127 with isoleucine.
Molecular consequence: missense variant.
Genome position (GRCh38, 1-based): chr6:152,326,017, A>T on the plus strand (T>A on the coding strand, the complement: SYNE1 is on the minus strand). VCF-style: chr6-152326017-A-T. GRCh37 (hg19) VCF-style: chr6-152647152-A-T.
Other names: c.15166T>A, p.Phe5056Ile (NM_033071.5); short protein forms F5056I, F5127I.
Identifiers: ClinVar variation 4682348 (VCV004682348.1).

ClinVar aggregate classification (germline): Uncertain significance (1 of 4 stars; one submission).

gnomAD v4.1: 1 of 1,614,056 alleles (0.000062%); highest among the groups gnomAD compares: South Asian, 0.0011%; no homozygotes.

Submission:

Athena Diagnostics
Classification: Uncertain significance. Last evaluated: 2025-01-23. Review status: criteria provided, single submitter. Criteria: Athena Diagnostics Criteria. Collection method: clinical testing. Allele origin: unknown.
Comment: Available data are insufficient to determine the clinical significance of the variant at this time. This variant has not been reported in large, multi-ethnic general populations. Polyphen and MutationTaster yielded discordant predictions regarding whether this amino acid change is damaging to the protein.